The following is an entry in ClinVar:

NM_001080517.3(SETD5):c.1150G>A (p.Glu384Lys)

Gene: SETD5 (SET domain containing 5; plus strand). Cytogenetic location: 3p25.3.
Variant type: single nucleotide variant.
Coding change: c.1150G>A on transcript NM_001080517.3 (MANE Select); coding-DNA position 1150, G replaced by A.
Protein change: p.Glu384Lys; replaces glutamic acid 384 with lysine.
Molecular consequence: missense variant.
Genome position (GRCh38, 1-based): chr3:9,443,380, G>A. VCF-style: chr3-9443380-G-A. GRCh37 (hg19) VCF-style: chr3-9485064-G-A.
Other names: c.856G>A, p.Glu286Lys (NM_001292043.2, NM_001349451.2); c.1246G>A, p.Glu416Lys (NM_001437633.1); c.1207G>A, p.Glu403Lys (NM_001437635.1); c.1150G>A, p.Glu384Lys (NM_001437643.1); c.1189G>A, p.Glu397Lys (NM_001437701.1); short protein forms E286K, E384K, E397K, E403K, E416K.
Identifiers: ClinVar variation 4292213 (VCV004292213.1).

ClinVar aggregate classification (germline): Uncertain significance (1 of 4 stars; one submission).

Conditions:
Intellectual disability-facial dysmorphism syndrome due to SETD5 haploinsufficiency (MRD23). Also called: Intellectual developmental disorder, autosomal dominant 23. Identifiers: Orphanet 404440, MedGen C3810406, MONDO:0014336, OMIM 615761.

Submission:

3billion
Classification: Uncertain significance for Intellectual disability-facial dysmorphism syndrome due to SETD5 haploinsufficiency. Last evaluated: 2025-03-05. Review status: criteria provided, single submitter. Criteria: ACMG Guidelines, 2015. Collection method: clinical testing. Allele origin: germline. Affected: yes.
Comment: The variant is not observed in the gnomAD v4.1.0 dataset. Predicted Consequence/Location: Missense variant. The majority of the known disease-causing variants of this gene are variants expected to result in premature termination of the protein. In silico tool predictions suggest damaging effect of the variant on gene or gene product [REVEL: 0.85 (>=0.6, sensitivity 0.68 and specificity 0.92); 3Cnet: 0.78 (> 0.75, sensitivity 0.96 and precision 0.92)]. Therefore, this variant is classified as VUS according to the recommendation of ACMG/AMP guideline.